The following is an entry in ClinVar:

NM_032043.3(BRIP1):c.3058A>G (p.Thr1020Ala)

Gene: BRIP1 (BRCA1 interacting DNA helicase 1; minus strand). Cytogenetic location: 17q23.2.
Variant type: single nucleotide variant.
Coding change: c.3058A>G on transcript NM_032043.3 (MANE Select); coding-DNA position 3058, A replaced by G.
Protein change: p.Thr1020Ala; replaces threonine 1020 with alanine.
Molecular consequence: missense variant.
Genome position (GRCh38, 1-based): chr17:61,683,988, T>C on the plus strand (A>G on the coding strand, the complement: BRIP1 is on the minus strand). VCF-style: chr17-61683988-T-C. GRCh37 (hg19) VCF-style: chr17-59761349-T-C.
Other names: short protein forms T1020A.
Identifiers: ClinVar variation 418099 (VCV000418099.18), dbSNP rs1064793073, ClinGen allele CA16620511.
Genomic context (GRCh38, chr17:61,683,988, plus strand): 5'-TCTCTGTTTTGAAACGGGGAGGACTAGAGGCACTATTCTCTGATGACCCGAGCTCAGGTG[T>C]TGCCTTCGGTATTTTACCAGTAAAATACTGTCCCAAAGAATTAAAGCTTGACCAGCTAAC-3'
Protein context (NP_114432.2, residues 1010-1030): QYFTGKIPKA[Thr1020Ala]PELGSSENSA

ClinVar aggregate classification (germline): Conflicting classifications of pathogenicity. Review status: criteria provided, conflicting classifications (1 of 4 stars). 4 submissions from 4 submitters: Uncertain significance (3); Likely benign (1). Last evaluated 2024-03-20.

Conditions:
Fanconi anemia complementation group J. Also called: BRIP1-Related Fanconi Anemia. Identifiers: Orphanet 84, MedGen C1836860, MONDO:0012187, OMIM 609054.
Familial cancer of breast. Also called: Hereditary breast cancer; BREAST CANCER, FAMILIAL; hereditary breast carcinoma. Identifiers: Orphanet 227535, MedGen C0346153, MONDO:0016419, OMIM 114480. Disease mechanism: loss of function.
Hereditary cancer-predisposing syndrome. Also called: Tumor predisposition; Neoplastic Syndromes, Hereditary; Hereditary Cancer Syndrome; Hereditary neoplastic syndrome. Identifiers: Orphanet 140162, MedGen C0027672, MeSH D009386, MONDO:0015356.

Allele frequency attached by ClinVar (database versions not stated): gnomAD exomes below 0.00001; TOPMed below 0.00001; gnomAD 0.00001.
gnomAD v4.1: 3 of 1,614,038 alleles (0.00019%); highest among the groups gnomAD compares: Non-Finnish European, 0.00025%; no homozygotes.

Submissions (4):

Ambry Genetics
Classification: Likely benign for Hereditary cancer-predisposing syndrome. Last evaluated: 2024-03-20. Review status: criteria provided, single submitter. Criteria: Ambry Variant Classification Scheme 2023. Collection method: clinical testing. Allele origin: germline.

Labcorp Genetics (formerly Invitae), Labcorp
Classification: Uncertain significance for Familial cancer of breast; Fanconi anemia complementation group J. Last evaluated: 2024-02-01. Review status: criteria provided, single submitter. Criteria: Invitae Variant Classification Sherloc (09022015). Collection method: clinical testing. Allele origin: germline.
Comment: This sequence change replaces threonine, which is neutral and polar, with alanine, which is neutral and non-polar, at codon 1020 of the BRIP1 protein (p.Thr1020Ala). This variant is present in population databases (no rsID available, gnomAD 0.002%). This variant has not been reported in the literature in individuals affected with BRIP1-related conditions. ClinVar contains an entry for this variant (Variation ID: 418099). Algorithms developed to predict the effect of missense changes on protein structure and function output the following: SIFT: "Not Available"; PolyPhen-2: "Benign"; Align-GVGD: "Not Available". The alanine amino acid residue is found in multiple mammalian species, which suggests that this missense change does not adversely affect protein function. In summary, the available evidence is currently insufficient to determine the role of this variant in disease. Therefore, it has been classified as a Variant of Uncertain Significance.

Color Diagnostics, LLC DBA Color Health
Classification: Uncertain significance for Hereditary cancer-predisposing syndrome. Last evaluated: 2023-03-28. Review status: criteria provided, single submitter. Criteria: ACMG Guidelines, 2015. Collection method: clinical testing. Allele origin: germline.
Comment: This missense variant replaces threonine with alanine at codon 1020 of the BRIP1 protein. Computational prediction suggests that this variant may not impact protein structure and function (internally defined REVEL score threshold <= 0.5, PMID: 27666373). To our knowledge, functional studies have not been reported for this variant. This variant has not been reported in individuals affected with BRIP1-related disorders in the literature. This variant has been identified in 2/282824 chromosomes in the general population by the Genome Aggregation Database (gnomAD). The available evidence is insufficient to determine the role of this variant in disease conclusively. Therefore, this variant is classified as a Variant of Uncertain Significance.

GeneDx
Classification: Uncertain significance. Last evaluated: 2015-02-24. Review status: criteria provided, single submitter. Criteria: GeneDx Variant Classification (06012015). Collection method: clinical testing. Allele origin: germline. Affected: yes.
Comment: This variant is denoted BRIP1 c.3058A>G at the cDNA level, p.Thr1020Ala (T1020A) at the protein level, and results in the change of a Threonine to an Alanine (ACA>GCA). This variant has not, to our knowledge, been published in the literature as pathogenic or benign. BRIP1 Thr1020Ala was not observed in approximately 6,500 individuals of European and African American ancestry in the NHLBI Exome Sequencing Project, indicating it is not a common benign variant in these populations. Since Threonine and Alanine differ in polarity, charge, size or other properties, this is considered a non-conservative amino acid substitution. BRIP1 Thr1020Ala occurs at a position that is moderately conserved across mammals and is located in the region of interaction with BRCA1 (UniProt). In silico analyses predict that this variant is unlikely to alter protein structure or function. Based on currently available information, it is unclear whether BRIP1 Thr1020Ala is pathogenic or benign. We consider it to be a variant of uncertain significance.